The following is an entry in ClinVar:

ClinVar aggregate classification (germline): Likely benign. Review status: criteria provided, single submitter (1 of 4 stars). 2 submissions from 2 submitters: Likely benign (1). 1 of the submissions does not count toward it. Last evaluated 2024-01-12.

Conditions:
SLCO1B3-related disorder. Also called: SLCO1B3-related condition.
Rotor syndrome (HBLRR). Also called: HYPERBILIRUBINEMIA, ROTOR TYPE, DIGENIC; HYPERBILIRUBINEMIA, ROTOR TYPE. Identifiers: Orphanet 3111, MedGen C0220991, MONDO:0009379, OMIM 237450.

Allele frequency attached by ClinVar (database versions not stated): gnomAD 0.00005; TOPMed 0.00006; ExAC 0.00011; 1000 Genomes Project 30x 0.00016; 1000 Genomes Project 0.00020.
gnomAD v4.1: 125 of 1,611,404 alleles (0.0078%); highest among the groups gnomAD compares: Middle Eastern, 0.033%; no homozygotes.

Submissions (2):

ARUP Laboratories, Molecular Genetics and Genomics, ARUP Laboratories
Classification: Likely benign for Rotor syndrome. Last evaluated: 2024-01-12. Review status: criteria provided, single submitter. Criteria: ARUP Molecular Germline Variant Investigation Process 2024. Collection method: clinical testing. Allele origin: germline.

PreventionGenetics, part of Exact Sciences
Classification: Likely benign for SLCO1B3-related condition. Last evaluated: 2021-03-31. Review status: no assertion criteria provided. Collection method: clinical testing. Allele origin: germline. Not counted in ClinVar's aggregate classification.
Comment: This variant is classified as likely benign based on ACMG/AMP sequence variant interpretation guidelines (Richards et al. 2015 PMID: 25741868, with internal and published modifications).

NM_019844.4(SLCO1B3):c.840G>A (p.Pro280=)

Genes: SLCO1B3 (solute carrier organic anion transporter family member 1B3; plus strand), SLCO1B3-SLCO1B7 (SLCO1B3-SLCO1B7 readthrough; plus strand). Cytogenetic location: 12p12.2.
Variant type: single nucleotide variant.
Coding change: c.840G>A on transcript NM_019844.4 (MANE Select); coding-DNA position 840, G replaced by A.
Protein change: p.Pro280=; no amino-acid change (proline 280 retained).
Molecular consequence: synonymous variant.
Genome position (GRCh38, 1-based): chr12:20,875,347, G>A. VCF-style: chr12-20875347-G-A. GRCh37 (hg19) VCF-style: chr12-21028281-G-A.
Other names: c.840G>A, p.Pro280= (NM_001371097.1); c.756G>A, p.Pro252= (NM_001349920.2).
Identifiers: ClinVar variation 3051441 (VCV003051441.3), dbSNP rs555631927, ClinGen allele CA6475357.